The following is an entry in ClinVar:

NM_001165963.4(SCN1A):c.2879dup (p.Met960fs)

Gene: SCN1A (sodium voltage-gated channel alpha subunit 1; minus strand). Cytogenetic location: 2q24.3.
Variant type: Duplication.
Coding change: c.2879dup on transcript NM_001165963.4 (MANE Select); coding-DNA position 2879, one base duplicated (T; older notation c.2879dupT).
Protein change: p.Met960fs; shifts the reading frame from methionine 960.
Molecular consequence: frameshift variant. On other transcripts: non-coding transcript variant (1).
Genome position (GRCh38, 1-based): chr2:166,037,843, A duplicated on the plus strand (T on the coding strand, the reverse complement: SCN1A is on the minus strand). VCF-style (leftmost placement, unchanged base first): chr2-166037842-C-CA. GRCh37 (hg19) VCF-style: chr2-166894352-C-CA.
Other names: c.2846dup, p.Met949fs (NM_001353952.2, NM_006920.6, NM_001353949.2 and 2 more transcripts); c.2843dup, p.Met948fs (NM_001353954.2, NM_001353955.2); c.2795dup, p.Met932fs (NM_001353957.2, NM_001353958.2, NM_001165964.3); c.2792dup, p.Met931fs (NM_001353960.2); c.437dup, p.Met146fs (NM_001353961.2); c.2879dup, p.Met960fs (NM_001202435.3, NM_001353948.2); short protein forms M146fs, M931fs, M932fs, M948fs, M949fs, M960fs.
Identifiers: ClinVar variation 3338043 (VCV003338043.2).

ClinVar aggregate classification (germline): Likely pathogenic (1 of 4 stars; one submission).

Conditions:
Severe myoclonic epilepsy in infancy (DRVT). Also called: SEVERE MYOCLONIC EPILEPSY OF INFANCY; DEVELOPMENTAL AND EPILEPTIC ENCEPHALOPATHY 6A; Severe Myoclonic Epilepsy in Infancy (SMEI); Dravet syndrome; Epileptic encephalopathy, early infantile, 6 (Dravet syndrome). Identifiers: Orphanet 33069, MedGen C0751122, MONDO:0100135, OMIM 607208.

Submission:

Unidad de Genómica Garrahan, Hospital de Pediatría Garrahan
Classification: Likely pathogenic for Severe myoclonic epilepsy in infancy. Last evaluated: 2024-08-19. Review status: criteria provided, single submitter. Criteria: ACMG Guidelines, 2015. Collection method: clinical testing. Allele origin: unknown. Inheritance: Autosomal dominant inheritance. Affected: yes. Observed: 1 heterozygote.
Comment: This sequence change creates a premature translational stop signal (p.(Met960Ilefs*37)) in the SCN1A gene. It is expected to result in an absent or disrupted protein product. (PMID: 29891560) Loss-of-function variants in SCN1A are known to be pathogenic (PMID: 17347258, 18930999). This variant is not present in population databases (gnomAD - v4.1.0). This variant has not been reported in the literature in individuals affected with SCN1A-related conditions. (PVS1_very strong, PM2_moderate).